The following is an entry in ClinVar:

NM_002435.3(MPI):c.670+9A>G

Gene: MPI (mannose phosphate isomerase; plus strand). Cytogenetic location: 15q24.1.
Variant type: single nucleotide variant.
Coding change: c.670+9A>G on transcript NM_002435.3 (MANE Select); 9 bases into the intron after coding-DNA position 670, A replaced by G.
Molecular consequence: intron variant.
Genome position (GRCh38, 1-based): chr15:74,893,329, A>G. VCF-style: chr15-74893329-A-G. GRCh37 (hg19) VCF-style: chr15-75185670-A-G.
Other names: p.?; c.610+9A>G (NM_001330372.2); c.670+9A>G (NM_001289155.2); c.487+527A>G (NM_001289157.2); c.520+9A>G (NM_001289156.2).
Identifiers: ClinVar variation 94069 (VCV000094069.29), dbSNP rs7495739, ClinGen allele CA147581.

ClinVar aggregate classification (germline): Benign/Likely benign. Review status: criteria provided, multiple submitters, no conflicts (2 of 4 stars). 13 submissions from 13 submitters: Benign (9); Likely benign (1). 3 of the submissions do not count toward it. Last evaluated 2026-02-04.

Conditions:
MPI-congenital disorder of glycosylation. Also called: CDG Ib; MANNOSEPHOSPHATE ISOMERASE DEFICIENCY; PROTEIN-LOSING ENTEROPATHY-HEPATIC FIBROSIS SYNDROME; MPI-CDG; CONGENITAL DISORDER OF GLYCOSYLATION, TYPE Ib; MPI DEFICIENCY. Identifiers: Orphanet 79319, MedGen C1865145, MONDO:0011257, OMIM 602579.

Allele frequency attached by ClinVar (database versions not stated): 1000 Genomes Project 0.33826; 1000 Genomes Project 30x 0.34213; ExAC 0.43747; TOPMed 0.45808; ESP Exome Variant Server 0.47120.

Submissions (13):

Labcorp Genetics (formerly Invitae), Labcorp
Classification: Benign for MPI-congenital disorder of glycosylation. Last evaluated: 2026-02-04. Review status: criteria provided, single submitter. Criteria: Invitae Variant Classification Sherloc (09022015). Collection method: clinical testing. Allele origin: germline.

Blueprint Genetics
Classification: Likely benign. Last evaluated: 2024-11-27. Review status: criteria provided, single submitter. Criteria: ACMG Guidelines, 2015. Collection method: clinical testing. Allele origin: germline.

Genome-Nilou Lab
Classification: Benign for MPI-congenital disorder of glycosylation. Last evaluated: 2021-07-10. Review status: criteria provided, single submitter. Criteria: ACMG Guidelines, 2015. Collection method: clinical testing. Allele origin: germline. Affected: no.

Illumina Laboratory Services, Illumina
Classification: Benign for MPI-congenital disorder of glycosylation. Last evaluated: 2018-01-13. Review status: criteria provided, single submitter. Criteria: ICSL Variant Classification Criteria 13 December 2019. Collection method: clinical testing. Allele origin: germline.
Comment: This variant was observed in the ICSL laboratory as part of a predisposition screen in an ostensibly healthy population. It had not been previously curated by ICSL or reported in the Human Gene Mutation Database (HGMD: prior to June 1st, 2018), and was therefore a candidate for classification through an automated scoring system. Utilizing variant allele frequency, disease prevalence and penetrance estimates, and inheritance mode, an automated score was calculated to assess if this variant is too frequent to cause the disease. Based on the score and internal cut-off values, a variant classified as benign is not then subjected to further curation. The score for this variant resulted in a classification of benign for this disease.

Mayo Clinic Laboratories, Mayo Clinic
Classification: Benign. Last evaluated: 2017-12-19. Review status: criteria provided, single submitter. Criteria: ACMG Guidelines, 2015. Collection method: clinical testing. Allele origin: germline. Observed: 30 variant alleles.

Laboratory for Molecular Medicine, Mass General Brigham Personalized Medicine
Classification: Benign. Last evaluated: 2016-03-28. Review status: criteria provided, single submitter. Criteria: LMM Criteria. Collection method: clinical testing. Allele origin: germline.
Comment: Variant identified in a genome or exome case(s) and assessed due to predicted null impact of the variant or pathogenic assertions in the literature or databases. Disclaimer: This variant has not undergone full assessment. The following are preliminary notes: 44% of total chromosomes in ExAC

GeneDx
Classification: Benign. Last evaluated: 2015-12-03. Review status: criteria provided, single submitter. Criteria: GeneDx Variant Classification (06012015). Collection method: clinical testing. Allele origin: germline. Affected: yes.
Comment: This variant is considered likely benign or benign based on one or more of the following criteria: it is a conservative change, it occurs at a poorly conserved position in the protein, it is predicted to be benign by multiple in silico algorithms, and/or has population frequency not consistent with disease.

Eurofins Ntd Llc (ga)
Classification: Benign. Last evaluated: 2012-07-10. Review status: criteria provided, single submitter. Criteria: EGL Classification Definitions 2015. Collection method: clinical testing. Allele origin: germline. Observed: 36 variant alleles, 21 heterozygotes, 15 homozygotes.

Breakthrough Genomics
Classification: Benign. Review status: criteria provided, single submitter. Criteria: ACMG Guidelines, 2015. Collection method: not provided. Allele origin: germline. Inheritance: Autosomal recessive inheritance. Affected: yes.

PreventionGenetics, part of Exact Sciences
Classification: Benign. Review status: criteria provided, single submitter. Criteria: ACMG Guidelines, 2015. Collection method: clinical testing. Allele origin: germline.

Natera, Inc.
Classification: Benign for Congenital disorder of glycosylation type 1b. Last evaluated: 2020-09-16. Review status: no assertion criteria provided. Collection method: clinical testing. Allele origin: germline. Not counted in ClinVar's aggregate classification.

Clinical Genetics, Academic Medical Center
Classification: Benign. Review status: no assertion criteria provided. Collection method: clinical testing. Allele origin: germline. Affected: yes. Study: VKGL Data-share Consensus. Not counted in ClinVar's aggregate classification.

Diagnostic Laboratory, Department of Genetics, University Medical Center Groningen
Classification: Benign for MPI-congenital disorder of glycosylation. Review status: no assertion criteria provided. Collection method: clinical testing. Allele origin: germline. Affected: yes. Study: VKGL Data-share Consensus. Not counted in ClinVar's aggregate classification.